The following is an entry in ClinVar:

ClinVar aggregate classification (germline): Uncertain significance. Review status: criteria provided, multiple submitters, no conflicts (2 of 4 stars). 4 submissions from 4 submitters: Uncertain significance (4). Last evaluated 2026-03-03.

Conditions:
Inborn genetic diseases. Identifiers: MedGen C0950123, MeSH D030342.
Charcot-Marie-Tooth disease type 4. Also called: Charcot-Marie-Tooth, Type 4; Charcot-Marie-Tooth disease, type IV. Identifiers: Orphanet 64749, MedGen C4082197, MONDO:0018995.

Allele frequency attached by ClinVar (database versions not stated): gnomAD exomes 0.00003 and below 0.00001; TOPMed 0.00003; gnomAD 0.00003.
gnomAD v4.1: 55 of 1,595,750 alleles (0.0034%); highest among the groups gnomAD compares: Non-Finnish European, 0.0045%; no homozygotes.

Submissions (4):

GeneDx
Classification: Uncertain significance. Last evaluated: 2026-03-03. Review status: criteria provided, single submitter. Criteria: GeneDx Variant Classification Process June 2021. Collection method: clinical testing. Allele origin: germline.
Comment: Not observed at significant frequency in large population cohorts (gnomAD); In silico analysis suggests that this missense variant does not alter protein structure/function; Has not been previously published as pathogenic or benign to our knowledge

Ambry Genetics
Classification: Uncertain significance for Inborn genetic diseases. Last evaluated: 2024-01-17. Review status: criteria provided, single submitter. Criteria: Ambry Variant Classification Scheme 2023. Collection method: clinical testing. Allele origin: germline.

Labcorp Genetics (formerly Invitae), Labcorp
Classification: Uncertain significance for Charcot-Marie-Tooth disease type 4. Last evaluated: 2022-02-20. Review status: criteria provided, single submitter. Criteria: Invitae Variant Classification Sherloc (09022015). Collection method: clinical testing. Allele origin: germline.
Comment: This variant is present in population databases (no rsID available, gnomAD 0.002%). In summary, the available evidence is currently insufficient to determine the role of this variant in disease. Therefore, it has been classified as a Variant of Uncertain Significance. Algorithms developed to predict the effect of missense changes on protein structure and function are either unavailable or do not agree on the potential impact of this missense change (SIFT: "Deleterious"; PolyPhen-2: "Benign"; Align-GVGD: "Class C35"). ClinVar contains an entry for this variant (Variation ID: 851194). This variant has not been reported in the literature in individuals affected with FGD4-related conditions. This sequence change replaces glutamic acid, which is acidic and polar, with aspartic acid, which is acidic and polar, at codon 626 of the FGD4 protein (p.Glu626Asp).

Athena Diagnostics
Classification: Uncertain significance. Last evaluated: 2019-12-05. Review status: criteria provided, single submitter. Criteria: Athena Diagnostics Criteria. Collection method: clinical testing. Allele origin: unknown.

NM_001370298.3(FGD4):c.2289A>C (p.Glu763Asp)

Gene: FGD4 (FYVE, RhoGEF and PH domain containing 4; plus strand). Cytogenetic location: 12p11.21.
Variant type: single nucleotide variant.
Coding change: c.2289A>C on transcript NM_001370298.3 (MANE Select); coding-DNA position 2289, A replaced by C.
Protein change: p.Glu763Asp; replaces glutamic acid 763 with aspartic acid.
Molecular consequence: missense variant.
Genome position (GRCh38, 1-based): chr12:32,633,665, A>C. VCF-style: chr12-32633665-A-C. GRCh37 (hg19) VCF-style: chr12-32786599-A-C.
Other names: c.2133A>C, p.Glu711Asp (NM_001304481.2); c.1134A>C, p.Glu378Asp (NM_001304483.2); c.846A>C, p.Glu282Asp (NM_001304484.2); c.1599A>C, p.Glu533Asp (NM_001330373.2, NM_001330374.2, NM_001384130.1); c.1326A>C, p.Glu442Asp (NM_001370297.1); c.2289A>C, p.Glu763Asp (NM_001384126.1); c.1878A>C, p.Glu626Asp (NM_001384127.1, NM_001384128.1, NM_001385118.1 and 1 more transcripts); short protein forms E282D, E626D, E378D, E442D, E711D, E533D, E763D.
Identifiers: ClinVar variation 851194 (VCV000851194.12), dbSNP rs907657345, ClinGen allele CA235242073.